The following is an entry in ClinVar:

ClinVar aggregate classification (germline): Uncertain significance (1 of 4 stars; one submission).

Submission:

Labcorp Genetics (formerly Invitae), Labcorp
Classification: Uncertain significance. Last evaluated: 2022-10-08. Review status: criteria provided, single submitter. Criteria: Invitae Variant Classification Sherloc (09022015). Collection method: clinical testing. Allele origin: germline.
Comment: In summary, the available evidence is currently insufficient to determine the role of this variant in disease. Therefore, it has been classified as a Variant of Uncertain Significance. Algorithms developed to predict the effect of sequence changes on RNA splicing suggest that this variant may create or strengthen a splice site. ClinVar contains an entry for this variant (Variation ID: 1480565). This variant has not been reported in the literature in individuals affected with GRIN2D-related conditions. This variant is present in population databases (no rsID available, gnomAD 0.003%). This sequence change affects codon 474 of the GRIN2D mRNA. It is a 'silent' change, meaning that it does not change the encoded amino acid sequence of the GRIN2D protein.

NM_000836.4(GRIN2D):c.1422G>A (p.Pro474=)

Gene: GRIN2D (glutamate ionotropic receptor NMDA type subunit 2D; plus strand). Cytogenetic location: 19q13.33.
Variant type: single nucleotide variant.
Coding change: c.1422G>A on transcript NM_000836.4 (MANE Select); coding-DNA position 1422, G replaced by A.
Protein change: p.Pro474=; no amino-acid change (proline 474 retained).
Molecular consequence: synonymous variant.
Genome position (GRCh38, 1-based): chr19:48,414,873, G>A. VCF-style: chr19-48414873-G-A. GRCh37 (hg19) VCF-style: chr19-48918130-G-A.
Identifiers: ClinVar variation 1480565 (VCV001480565.6), dbSNP rs779650040, ClinGen allele CA508264463.